The following is an entry in ClinVar:

NM_016938.5(EFEMP2):c.595C>T (p.Arg199Cys)

Gene: EFEMP2 (EGF-like fibulin extracellular matrix protein 2; minus strand). Cytogenetic location: 11q13.1.
Variant type: single nucleotide variant.
Coding change: c.595C>T on transcript NM_016938.5 (MANE Select); coding-DNA position 595, C replaced by T.
Protein change: p.Arg199Cys; replaces arginine 199 with cysteine.
Molecular consequence: missense variant. On other transcripts: non-coding transcript variant (1).
Genome position (GRCh38, 1-based): chr11:65,870,133, G>A on the plus strand (C>T on the coding strand, the complement: EFEMP2 is on the minus strand). VCF-style: chr11-65870133-G-A. GRCh37 (hg19) VCF-style: chr11-65637604-G-A.
Other names: short protein forms R199C.
Identifiers: ClinVar variation 540022 (VCV000540022.5), dbSNP rs766531680, ClinGen allele CA6110610.

ClinVar aggregate classification (germline): Uncertain significance (1 of 4 stars; one submission).

Conditions:
Cutis laxa, autosomal recessive, type 1B (ARCL1B). Also called: CUTIS LAXA, AUTOSOMAL RECESSIVE, TYPE IB; EFEMP2-Related Cutis Laxa. Identifiers: Orphanet 90349, MedGen C3280798, MONDO:0013754, OMIM 614437. Disease mechanism: loss of function.

Allele frequency attached by ClinVar (database versions not stated): TOPMed below 0.00001; ExAC 0.00001; gnomAD exomes 0.00001.

Submission:

Labcorp Genetics (formerly Invitae), Labcorp
Classification: Uncertain significance for Cutis laxa, autosomal recessive, type 1B. Last evaluated: 2021-11-17. Review status: criteria provided, single submitter. Criteria: Invitae Variant Classification Sherloc (09022015). Collection method: clinical testing. Allele origin: germline.
Comment: This sequence change replaces arginine, which is basic and polar, with cysteine, which is neutral and slightly polar, at codon 199 of the EFEMP2 protein (p.Arg199Cys). This variant is present in population databases (rs766531680, gnomAD 0.003%). This variant has not been reported in the literature in individuals affected with EFEMP2-related conditions. ClinVar contains an entry for this variant (Variation ID: 540022). Algorithms developed to predict the effect of missense changes on protein structure and function (SIFT, PolyPhen-2, Align-GVGD) all suggest that this variant is likely to be disruptive. In summary, the available evidence is currently insufficient to determine the role of this variant in disease. Therefore, it has been classified as a Variant of Uncertain Significance.